The following is an entry in ClinVar:

NM_006393.3(NEBL):c.3031G>A (p.Glu1011Lys)

Gene: NEBL (nebulette; minus strand). Cytogenetic location: 10p12.31.
Variant type: single nucleotide variant.
Coding change: c.3031G>A on transcript NM_006393.3 (MANE Select); coding-DNA position 3031, G replaced by A.
Protein change: p.Glu1011Lys; replaces glutamic acid 1011 with lysine.
Molecular consequence: missense variant. On other transcripts: 3 prime UTR variant (1).
Genome position (GRCh38, 1-based): chr10:20,785,761, C>T on the plus strand (G>A on the coding strand, the complement: NEBL is on the minus strand). VCF-style: chr10-20785761-C-T. GRCh37 (hg19) VCF-style: chr10-21074690-C-T.
Other names: c.*122G>A (NM_001173484.2); c.892G>A, p.Glu298Lys (NM_001377322.1); c.751G>A, p.Glu251Lys (NM_001377323.1); c.742G>A, p.Glu248Lys (NM_001377324.1); c.733G>A, p.Glu245Lys (NM_001377325.1); c.691G>A, p.Glu231Lys (NM_001377326.1, NM_001377327.1, NM_001377328.1); c.799G>A, p.Glu267Lys (NM_213569.2); short protein forms E251K, E1011K, E267K, E298K, E231K, E245K, E248K.
Identifiers: ClinVar variation 1507412 (VCV001507412.11), dbSNP rs375208825, ClinGen allele CA203251690.

ClinVar aggregate classification (germline): Uncertain significance. Review status: criteria provided, multiple submitters, no conflicts (2 of 4 stars). 2 submissions from 2 submitters: Uncertain significance (2). Last evaluated 2025-08-12.

Conditions:
Primary dilated cardiomyopathy (DCM). Also called: Dilated Cardiomyopathy. Identifiers: Orphanet 217604, MedGen C0007193, MeSH D002311, MONDO:0005021, HP:0001644. Inheritance: Various modes of inheritance.

Allele frequency attached by ClinVar (database versions not stated): gnomAD exomes below 0.00001; TOPMed 0.00003; ESP Exome Variant Server 0.00008.
gnomAD v4.1: 1 of 1,613,786 alleles (0.000062%); highest among the groups gnomAD compares: Admixed American, 0.0017%; no homozygotes.

Submissions (2):

Ambry Genetics
Classification: Uncertain significance. Last evaluated: 2025-08-12. Review status: criteria provided, single submitter. Criteria: Ambry Variant Classification Scheme 2023. Collection method: clinical testing. Allele origin: germline.
Comment: The p.E1011K variant (also known as c.3031G>A), located in coding exon 28 of the NEBL gene, results from a G to A substitution at nucleotide position 3031. The glutamic acid at codon 1011 is replaced by lysine, an amino acid with similar properties. This amino acid position is conserved. In addition, the in silico prediction for this alteration is inconclusive. Since supporting evidence is limited at this time, the clinical significance of this alteration remains unclear.

Labcorp Genetics (formerly Invitae), Labcorp
Classification: Uncertain significance for Primary dilated cardiomyopathy. Last evaluated: 2024-07-19. Review status: criteria provided, single submitter. Criteria: Invitae Variant Classification Sherloc (09022015). Collection method: clinical testing. Allele origin: germline.
Comment: This sequence change replaces glutamic acid, which is acidic and polar, with lysine, which is basic and polar, at codon 1011 of the NEBL protein (p.Glu1011Lys). This variant is not present in population databases (gnomAD no frequency). This variant has not been reported in the literature in individuals affected with NEBL-related conditions. ClinVar contains an entry for this variant (Variation ID: 1507412). An algorithm developed to predict the effect of missense changes on protein structure and function (PolyPhen-2) suggests that this variant is likely to be disruptive. In summary, the available evidence is currently insufficient to determine the role of this variant in disease. Therefore, it has been classified as a Variant of Uncertain Significance.